The following is an entry in ClinVar:

ClinVar aggregate classification (germline): Likely benign. Review status: criteria provided, multiple submitters, no conflicts (2 of 4 stars). 3 submissions from 3 submitters: Likely benign (3). Last evaluated 2024-04-16.

Conditions:
Catecholaminergic polymorphic ventricular tachycardia (CVPT). Also called: Catecholamine-induced polymorphic ventricular tachycardia. Identifiers: Orphanet 3286, MedGen C5574922, MONDO:0017990.
Cardiomyopathy (CMYO). Also called: Cardiomyopathies. Identifiers: Orphanet 167848, MedGen C0878544, MONDO:0004994, HP:0001638. Inheritance: Various modes of inheritance.
Catecholaminergic polymorphic ventricular tachycardia 1. Also called: VENTRICULAR TACHYCARDIA, CATECHOLAMINERGIC POLYMORPHIC, 1, WITH OR WITHOUT ATRIAL DYSFUNCTION AND/OR DILATED CARDIOMYOPATHY; RYR2-Related Catecholaminergic Polymorphic Ventricular Tachycardia; VENTRICULAR TACHYCARDIA, STRESS-INDUCED POLYMORPHIC 1. Identifiers: Orphanet 3286, MedGen C1631597, MONDO:0011484, OMIM 604772.

Allele frequency attached by ClinVar (database versions not stated): gnomAD 0.00001.

Submissions (3):

All of Us Research Program, National Institutes of Health
Classification: Likely benign for Catecholaminergic polymorphic ventricular tachycardia. Last evaluated: 2024-04-16. Review status: criteria provided, single submitter. Criteria: ACMG Guidelines, 2015. Collection method: clinical testing. Allele origin: germline. Inheritance: Autosomal dominant inheritance. Observed: 1 variant allele, 1 heterozygote.
Comment: This study involves interpretation of variants in research participants for the purpose of population health screening. Participant phenotype was not available at the time of variant classification. Additional details can be found in publication PMID: 35346344, PMCID: PMC8962531

Labcorp Genetics (formerly Invitae), Labcorp
Classification: Likely benign for Catecholaminergic polymorphic ventricular tachycardia 1. Last evaluated: 2023-06-15. Review status: criteria provided, single submitter. Criteria: Invitae Variant Classification Sherloc (09022015). Collection method: clinical testing. Allele origin: germline.

Color Diagnostics, LLC DBA Color Health
Classification: Likely benign for Cardiomyopathy. Last evaluated: 2018-12-16. Review status: criteria provided, single submitter. Criteria: ACMG Guidelines, 2015. Collection method: clinical testing. Allele origin: germline.

NM_001035.3(RYR2):c.483C>T (p.Thr161=)

Gene: RYR2 (ryanodine receptor 2; plus strand). Cytogenetic location: 1q43.
Variant type: single nucleotide variant.
Coding change: c.483C>T on transcript NM_001035.3 (MANE Select); coding-DNA position 483, C replaced by T.
Protein change: p.Thr161=; no amino-acid change (threonine 161 retained).
Molecular consequence: synonymous variant.
Genome position (GRCh38, 1-based): chr1:237,377,342, C>T. VCF-style: chr1-237377342-C-T. GRCh37 (hg19) VCF-style: chr1-237540642-C-T.
Identifiers: ClinVar variation 921630 (VCV000921630.13), dbSNP rs780513819, ClinGen allele CA39774114.
Genomic context (GRCh38, chr1:237,377,342, plus strand): 5'-AGAGGAACTTTTTCATGTTTCACATATCCGTATATCTGCAGGGGAGGCTTGTTGGTGGAC[C>T]ATACACCCTGCCTCTAAGCAGCGATCAGAAGGAGAAAAAGTACGAGTTGGAGATGACCTC-3'
Protein context (NP_001026.2, residues 151-171): EDTTGEACWW[Thr161=]IHPASKQRSE